The following is an entry in ClinVar:

NM_005035.4(POLRMT):c.1444del (p.Met482fs)

Gene: POLRMT (RNA polymerase mitochondrial; minus strand). Cytogenetic location: 19p13.3.
Variant type: Deletion.
Coding change: c.1444del on transcript NM_005035.4 (MANE Select); coding-DNA position 1444, one base deleted (A; older notation c.1444delA).
Protein change: p.Met482fs; shifts the reading frame from methionine 482.
Molecular consequence: frameshift variant. On other transcripts: non-coding transcript variant (1).
Genome position (GRCh38, 1-based): chr19:622,832, T deleted on the plus strand (A on the coding strand, the reverse complement: POLRMT is on the minus strand). VCF-style (leftmost placement, unchanged base first): chr19-622831-AT-A. GRCh37 (hg19) VCF-style: chr19-622831-AT-A.
Other names: c.1444del, p.Met482fs (NM_001407805.1, NM_001407806.1, NM_001407808.1 and 8 more transcripts); c.1432del, p.Met478fs (NM_001407807.1, NM_001407810.1); c.1402del, p.Met468fs (NM_001407811.1, NM_001407813.1); c.1120del, p.Met374fs (NM_001407831.1, NM_001407833.1, NM_001407834.1 and 2 more transcripts); short protein forms M374fs, M468fs, M478fs, M482fs.
Identifiers: ClinVar variation 4884219 (VCV004884219.2).
Genomic context (GRCh38, chr19:622,831, plus strand): 5'-AGTGCCTGCCCGCCCCGCCCGGGGACCCGGCCGCGCGGAGGAAGACGCACCTGCAGGAGC[AT>A]CCGCACCACCTCGCGCTCGTCCAGCAGGCACAGGAAGGGGTAAAGTGAGAACCGGCCCTC-3'

ClinVar aggregate classification (germline): Likely pathogenic (1 of 4 stars; one submission).

Submission:

Dasa
Classification: Likely pathogenic. Last evaluated: 2025-01-11. Review status: criteria provided, single submitter. Criteria: DASA Assertion Criteria. Collection method: clinical testing. Allele origin: germline.
Comment: NM_005035.4(POLRMT):c.1444del (p.Met482Cysfs*23) is a frameshift variant in POLRMT predicted to alter the reading frame and introduce a premature termination codon and is predicted to result in an absent or altered protein product. Loss of function is an established disease mechanism for POLRMT-associated disorders. Also, this variant is absent from population databases. Based on the currently available evidence, this variant is classified as likely pathogenic.